The following is an entry in ClinVar:

ClinVar aggregate classification (germline): Benign. Review status: criteria provided, multiple submitters, no conflicts (2 of 4 stars). 2 submissions from 2 submitters: Benign (2). Last evaluated 2024-07-15.

Submissions (2):

Unidad de Genómica Garrahan, Hospital de Pediatría Garrahan
Classification: Benign. Last evaluated: 2024-07-15. Review status: criteria provided, single submitter. Criteria: ACMG Guidelines, 2015. Collection method: clinical testing. Allele origin: germline. Affected: no. Observed: 25 variant alleles.
Comment: This variant is classified as Benign based on local population frequency. This variant was detected in 27% of patients studied in a panel designed for Epileptic and Developmental Encephalopathy and Progressive Myoclonus Epilepsy. Number of patients: 25. Only high quality variants are reported.

GeneDx
Classification: Benign. Last evaluated: 2021-05-15. Review status: criteria provided, single submitter. Criteria: GeneDx Variant Classification Process June 2021. Collection method: clinical testing. Allele origin: germline. Affected: yes.

NM_006922.4(SCN3A):c.1031+44dup

Gene: SCN3A (sodium voltage-gated channel alpha subunit 3; minus strand). Cytogenetic location: 2q24.3.
Variant type: Duplication.
Coding change: c.1031+44dup on transcript NM_006922.4 (MANE Select); 44 bases into the intron after coding-DNA position 1031, one base duplicated (A; older notation c.1031+44dupA).
Molecular consequence: intron variant.
Genome position (GRCh38, 1-based): chr2:165,162,255, T duplicated on the plus strand (A on the coding strand, the reverse complement: SCN3A is on the minus strand); the first of 10 consecutive T bases (chr2:165,162,255-165,162,264); duplicating any one gives the same sequence. VCF-style (leftmost placement, unchanged base first): chr2-165162254-C-CT. GRCh37 (hg19) VCF-style: chr2-166018764-C-CT.
Other names: c.1031+44dup (NM_001081676.2, NM_001081677.2).
Identifiers: ClinVar variation 1270522 (VCV001270522.3), dbSNP rs60156545, ClinGen allele CA60230221.